The following is an entry in ClinVar:

ClinVar aggregate classification (germline): Pathogenic (1 of 4 stars; one submission).

Conditions:
Curry-Hall syndrome (WAD). Also called: WEYERS ACRODENTAL DYSOSTOSIS. Identifiers: Orphanet 952, MedGen C0457013, MONDO:0008673, OMIM 193530.
Ellis-van Creveld syndrome (EVC). Also called: EVC-Related Ellis-van Creveld Syndrome; EVC2-Related Ellis-van Creveld Syndrome; MESOECTODERMAL DYSPLASIA; Chondroectodermal dysplasia. Identifiers: Orphanet 289, MedGen C0013903, MONDO:0009162, OMIM 225500.

Submission:

Labcorp Genetics (formerly Invitae), Labcorp
Classification: Pathogenic for Curry-Hall syndrome; Ellis-van Creveld syndrome. Last evaluated: 2023-01-07. Review status: criteria provided, single submitter. Criteria: Invitae Variant Classification Sherloc (09022015). Collection method: clinical testing. Allele origin: germline.
Comment: This variant has not been reported in the literature in individuals affected with EVC2-related conditions. For these reasons, this variant has been classified as Pathogenic. Algorithms developed to predict the effect of sequence changes on RNA splicing suggest that this variant may create or strengthen a splice site. This variant is not present in population databases (gnomAD no frequency). This sequence change creates a premature translational stop signal (p.Met956Argfs*19) in the EVC2 gene. It is expected to result in an absent or disrupted protein product. Loss-of-function variants in EVC2 are known to be pathogenic (PMID: 17024374, 19810119, 19876929).

Literature cited by the submitters: PubMed 17024374; PubMed 19810119; PubMed 19876929.

NM_147127.5(EVC2):c.2867_2879del (p.Met956fs)

Gene: EVC2 (EvC ciliary complex subunit 2; minus strand). Cytogenetic location: 4p16.2.
Variant type: Deletion.
Coding change: c.2867_2879del on transcript NM_147127.5 (MANE Select); coding-DNA positions 2867 to 2879, 13 bases deleted (TGGAGGCACAGGA).
Protein change: p.Met956fs; shifts the reading frame from methionine 956.
Molecular consequence: frameshift variant.
Genome position (GRCh38, 1-based): chr4:5,584,801-5,584,813, TCCTGTGCCTCCA deleted on the plus strand (TGGAGGCACAGGA on the coding strand, the reverse complement: EVC2 is on the minus strand); deleting any 13 consecutive bases within chr4:5,584,801-5,584,816 gives the same sequence; the c. name uses the placement nearest the transcript's 3' end. VCF-style (leftmost placement, unchanged base first): chr4-5584800-CTCCTGTGCCTCCA-C. GRCh37 (hg19) VCF-style: chr4-5586527-CTCCTGTGCCTCCA-C.
Other names: c.2627_2639del, p.Met876fs (NM_001166136.2); short protein forms M876fs, M956fs.
Identifiers: ClinVar variation 2943012 (VCV002943012.3), dbSNP rs2475236518, ClinGen allele CA2740091114.
Genomic context (GRCh38, chr4:5,584,800, plus strand): 5'-CTCGGTCACCCGGGACGCCTTCTGGAACTGCAGAGCAACAAGCGACTGTGCAAAGCCTCC[CTCCTGTGCCTCCA>C]TCCGCTGCACTCTCTCCCGCAGCAATTCACCTCGAACCTGGGAGGGGACAGGGATGGACC-3'